The following is an entry in ClinVar:

ClinVar aggregate classification (germline): Likely pathogenic (1 of 4 stars; one submission).

Conditions:
Abetalipoproteinaemia (ABL). Also called: MTP DEFICIENCY; Abetalipoproteinemia; Abetalipoproteinemia neuropathy; Apolipoprotein B deficiency; Congenital betalipoprotein deficiency syndrome. Identifiers: Orphanet 14, MedGen C0000744, MONDO:0008692, OMIM 200100, HP:0008181.

Submission:

Natera, Inc.
Classification: Likely pathogenic for Abetalipoproteinemia. Last evaluated: 2024-09-12. Review status: criteria provided, single submitter. Criteria: Natera Variant Classification Schema (03/2026). Collection method: clinical testing. Allele origin: germline.
Comment: The c.421G>T variant in MTTP is a nonsense variant predicted to introduce a stop codon at amino acid 141. This variant is expected to result in nonsense mediated decay, truncation, or a dysfunctional protein product. This variant is rare in the general population with a frequency below the threshold expected for the associated phenotype(s). Given the available evidence, this variant is classified as Likely Pathogenic.

NM_001386140.1(MTTP):c.421G>T (p.Glu141Ter)

Gene: MTTP (microsomal triglyceride transfer protein; plus strand). Cytogenetic location: 4q23.
Variant type: single nucleotide variant.
Coding change: c.421G>T on transcript NM_001386140.1 (MANE Select); coding-DNA position 421, G replaced by T.
Protein change: p.Glu141Ter; replaces glutamic acid 141 with a stop codon.
Molecular consequence: nonsense.
Genome position (GRCh38, 1-based): chr4:99,589,670, G>T. VCF-style: chr4-99589670-G-T. GRCh37 (hg19) VCF-style: chr4-100510827-G-T.
Other names: c.421G>T, p.Glu141Ter (NM_000253.4); c.172G>T, p.Glu58Ter (NM_001300785.2); short protein forms E141*, E58*.
Identifiers: ClinVar variation 4817992 (VCV004817992.1).
Genomic context (GRCh38, chr4:99,589,670, plus strand): 5'-TTCATTTGTGTTCTGTTCCCCTCTCCCCACCAGGTCAAAGAGTTCTACTCATATCAAAAT[G>T]AGGCAGTGGCCATAGAAAATATCAAGAGAGGTCTGGCTAGCCTATTTCAGACACAGTTAA-3'